The following is an entry in ClinVar:

ClinVar aggregate classification (germline): Conflicting classifications of pathogenicity. Review status: criteria provided, conflicting classifications (1 of 4 stars). 4 submissions from 4 submitters: Uncertain significance (3); Likely benign (1). Last evaluated 2025-06-01.

Conditions:
Cardiovascular phenotype. Identifiers: MedGen CN230736.

Allele frequency attached by ClinVar (database versions not stated): gnomAD exomes 0.00004 and 0.00034; TOPMed 0.00005; ExAC 0.00007; gnomAD 0.00007; ESP Exome Variant Server 0.00015.

Submissions (4):

Labcorp Genetics (formerly Invitae), Labcorp
Classification: Uncertain significance. Last evaluated: 2025-06-01. Review status: criteria provided, single submitter. Criteria: Invitae Variant Classification Sherloc (09022015). Collection method: clinical testing. Allele origin: germline.
Comment: This sequence change replaces proline, which is neutral and non-polar, with leucine, which is neutral and non-polar, at codon 435 of the ALPK3 protein (p.Pro435Leu). This variant is present in population databases (rs150785783, gnomAD 0.008%). This variant has not been reported in the literature in individuals affected with ALPK3-related conditions. ClinVar contains an entry for this variant (Variation ID: 1376221). Invitae Evidence Modeling of protein sequence and biophysical properties (such as structural, functional, and spatial information, amino acid conservation, physicochemical variation, residue mobility, and thermodynamic stability) indicates that this missense variant is not expected to disrupt ALPK3 protein function with a negative predictive value of 80%. In summary, the available evidence is currently insufficient to determine the role of this variant in disease. Therefore, it has been classified as a Variant of Uncertain Significance.

Women's Health and Genetics/Laboratory Corporation of America, LabCorp
Classification: Uncertain significance. Last evaluated: 2025-04-25. Review status: criteria provided, single submitter. Criteria: LabCorp Variant Classification Summary - May 2015. Collection method: clinical testing. Allele origin: germline.

GeneDx
Classification: Uncertain significance. Last evaluated: 2024-07-31. Review status: criteria provided, single submitter. Criteria: GeneDx Variant Classification Process June 2021. Collection method: clinical testing. Allele origin: germline. Affected: yes.
Comment: In silico analysis indicates that this missense variant does not alter protein structure/function; Has not been previously published as pathogenic or benign to our knowledge

Ambry Genetics
Classification: Likely benign for Cardiovascular phenotype. Last evaluated: 2023-09-01. Review status: criteria provided, single submitter. Criteria: Ambry Variant Classification Scheme 2023. Collection method: clinical testing. Allele origin: germline.

NM_020778.5(ALPK3):c.698C>T (p.Pro233Leu)

Gene: ALPK3 (alpha kinase 3; plus strand). Cytogenetic location: 15q25.3.
Variant type: single nucleotide variant.
Coding change: c.698C>T on transcript NM_020778.5 (MANE Select); coding-DNA position 698, C replaced by T.
Protein change: p.Pro233Leu; replaces proline 233 with leucine.
Molecular consequence: missense variant.
Genome position (GRCh38, 1-based): chr15:84,839,977, C>T. VCF-style: chr15-84839977-C-T. GRCh37 (hg19) VCF-style: chr15-85383208-C-T.
Other names: short protein forms P233L.
Identifiers: ClinVar variation 1376221 (VCV001376221.11), dbSNP rs150785783, ClinGen allele CA7709049.